The following is an entry in ClinVar:

ClinVar aggregate classification (germline): Likely benign (1 of 4 stars; one submission).

Submission:

CeGaT Center for Human Genetics Tuebingen
Classification: Likely benign. Last evaluated: 2026-09-01. Review status: criteria provided, single submitter. Criteria: CeGaT Center For Human Genetics Tuebingen Variant Classification Criteria Version 2. Collection method: clinical testing. Allele origin: germline. Affected: yes. Observed: 21 variant alleles.
Comment: IL2RB: BP4, BP7

NM_000878.5(IL2RB):c.1335T>C (p.Pro445=)

Gene: IL2RB (interleukin 2 receptor subunit beta; minus strand). Cytogenetic location: 22q12.3.
Variant type: single nucleotide variant.
Coding change: c.1335T>C on transcript NM_000878.5 (MANE Select); coding-DNA position 1335, T replaced by C.
Protein change: p.Pro445=; no amino-acid change (proline 445 retained).
Molecular consequence: synonymous variant.
Genome position (GRCh38, 1-based): chr22:37,128,417, A>G on the plus strand (T>C on the coding strand, the complement: IL2RB is on the minus strand). VCF-style: chr22-37128417-A-G. GRCh37 (hg19) VCF-style: chr22-37524457-A-G.
Other names: c.1335T>C, p.Pro445= (NM_001346222.1, NM_001346223.2).
Identifiers: ClinVar variation 3898300 (VCV003898300.7).